The following is an entry in ClinVar:

ClinVar aggregate classification (germline): Likely benign (1 of 4 stars; one submission).

Allele frequency attached by ClinVar (database versions not stated): 1000 Genomes Project 0.00212; 1000 Genomes Project 30x 0.00229.
gnomAD v4.1: 408 of 296,844 alleles (0.14%); highest among the groups gnomAD compares: Middle Eastern, 0.62%; 2 homozygotes.

Submission:

CeGaT Center for Human Genetics Tuebingen
Classification: Likely benign. Last evaluated: 2022-06-01. Review status: criteria provided, single submitter. Criteria: CeGaT Center For Human Genetics Tuebingen Variant Classification Criteria Version 2. Collection method: clinical testing. Allele origin: germline. Affected: yes. Observed: 1 variant allele.
Comment: PNMA6E: BP4, BP7

NM_001367770.1(PNMA6E):c.1698C>T (p.Pro566=)

Gene: PNMA6E (PNMA family member 6E; minus strand). Cytogenetic location: Xq28.
Variant type: single nucleotide variant.
Coding change: c.1698C>T on transcript NM_001367770.1 (MANE Select); coding-DNA position 1698, C replaced by T.
Protein change: p.Pro566=; no amino-acid change (proline 566 retained).
Molecular consequence: synonymous variant.
Genome position (GRCh38, 1-based): chrX:153,397,152, G>A on the plus strand (C>T on the coding strand, the complement: PNMA6E is on the minus strand). VCF-style: chrX-153397152-G-A. GRCh37 (hg19) VCF-style: chrX-152662610-G-A.
Other names: c.864C>T, p.Pro288= (NM_001351293.2, NM_001351294.2).
Identifiers: ClinVar variation 2661679 (VCV002661679.24), dbSNP rs181450068, ClinGen allele CA415292585.